The following is an entry in ClinVar:

NM_005458.8(GABBR2):c.1037G>A (p.Arg346Gln)

Gene: GABBR2 (gamma-aminobutyric acid type B receptor subunit 2; minus strand). Cytogenetic location: 9q22.33.
Variant type: single nucleotide variant.
Coding change: c.1037G>A on transcript NM_005458.8 (MANE Select); coding-DNA position 1037, G replaced by A.
Protein change: p.Arg346Gln; replaces arginine 346 with glutamine.
Molecular consequence: missense variant.
Genome position (GRCh38, 1-based): chr9:98,454,180, C>T on the plus strand (G>A on the coding strand, the complement: GABBR2 is on the minus strand). VCF-style: chr9-98454180-C-T. GRCh37 (hg19) VCF-style: chr9-101216462-C-T.
Other names: short protein forms R346Q.
Identifiers: ClinVar variation 2792762 (VCV002792762.10), dbSNP rs1309000004, ClinGen allele CA374350726.

ClinVar aggregate classification (germline): Conflicting classifications of pathogenicity. Review status: criteria provided, conflicting classifications (1 of 4 stars). 2 submissions from 2 submitters: Uncertain significance (1); Likely benign (1). Last evaluated 2025-09-16.

Conditions:
Epileptic encephalopathy. Identifiers: MedGen C0543888, HP:0200134.

gnomAD v4.1: 6 of 1,613,992 alleles (0.00037%); highest among the groups gnomAD compares: Non-Finnish European, 0.00034%; no homozygotes.

Submissions (2):

Labcorp Genetics (formerly Invitae), Labcorp
Classification: Uncertain significance for Epileptic encephalopathy. Last evaluated: 2025-09-16. Review status: criteria provided, single submitter. Criteria: Invitae Variant Classification Sherloc (09022015). Collection method: clinical testing. Allele origin: germline.
Comment: This sequence change replaces arginine, which is basic and polar, with glutamine, which is neutral and polar, at codon 346 of the GABBR2 protein (p.Arg346Gln). This variant is present in population databases (no rsID available, gnomAD 0.007%). This variant has not been reported in the literature in individuals affected with GABBR2-related conditions. ClinVar contains an entry for this variant (Variation ID: 2792762). Invitae Evidence Modeling of protein sequence and biophysical properties (such as structural, functional, and spatial information, amino acid conservation, physicochemical variation, residue mobility, and thermodynamic stability) indicates that this missense variant is not expected to disrupt GABBR2 protein function with a negative predictive value of 80%. In summary, the available evidence is currently insufficient to determine the role of this variant in disease. Therefore, it has been classified as a Variant of Uncertain Significance.

CeGaT Center for Human Genetics Tuebingen
Classification: Likely benign. Last evaluated: 2025-04-01. Review status: criteria provided, single submitter. Criteria: CeGaT Center For Human Genetics Tuebingen Variant Classification Criteria Version 2. Collection method: clinical testing. Allele origin: germline. Affected: yes. Observed: 1 variant allele.
Comment: GABBR2: BP4